The following is an entry in ClinVar:

NM_014319.5(LEMD3):c.350G>A (p.Ser117Asn)

Genes: LEMD3 (LEM domain containing 3; plus strand), LOC130008224 (ATAC-STARR-seq lymphoblastoid silent region 4630; plus strand). Cytogenetic location: 12q14.3.
Variant type: single nucleotide variant.
Coding change: c.350G>A on transcript NM_014319.5 (MANE Select); coding-DNA position 350, G replaced by A.
Protein change: p.Ser117Asn; replaces serine 117 with asparagine.
Molecular consequence: missense variant.
Genome position (GRCh38, 1-based): chr12:65,169,946, G>A. VCF-style: chr12-65169946-G-A. GRCh37 (hg19) VCF-style: chr12-65563726-G-A.
Other names: c.350G>A, p.Ser117Asn (NM_001167614.2); short protein forms S117N.
Identifiers: ClinVar variation 4705245 (VCV004705245.1).

ClinVar aggregate classification (germline): Uncertain significance (1 of 4 stars; one submission).

gnomAD v4.1: 5 of 1,453,856 alleles (0.00034%); highest among the groups gnomAD compares: Middle Eastern, 0.021%; no homozygotes.

Submission:

Labcorp Genetics (formerly Invitae), Labcorp
Classification: Uncertain significance. Last evaluated: 2025-10-30. Review status: criteria provided, single submitter. Criteria: Invitae Variant Classification Sherloc (09022015). Collection method: clinical testing. Allele origin: germline.
Comment: This sequence change replaces serine, which is neutral and polar, with asparagine, which is neutral and polar, at codon 117 of the LEMD3 protein (p.Ser117Asn). This variant is not present in population databases (gnomAD no frequency). This variant has not been reported in the literature in individuals affected with LEMD3-related conditions. An algorithm developed to predict the effect of missense changes on protein structure and function outputs the following: PolyPhen-2: "Benign". The asparagine amino acid residue is found in multiple mammalian species, which suggests that this missense change does not adversely affect protein function. In summary, the available evidence is currently insufficient to determine the role of this variant in disease. Therefore, it has been classified as a Variant of Uncertain Significance.